The following is an entry in ClinVar:

NM_007294.4(BRCA1):c.3611G>C (p.Arg1204Thr)

Genes: BRCA1 (BRCA1 DNA repair associated; minus strand), LOC126862571 (BRD4-independent group 4 enhancer GRCh37_chr17:41243136-41244335; plus strand). Cytogenetic location: 17q21.31.
Variant type: single nucleotide variant.
Coding change: c.3611G>C on transcript NM_007294.4 (MANE Select); coding-DNA position 3611, G replaced by C.
Protein change: p.Arg1204Thr; replaces arginine 1204 with threonine.
Molecular consequence: missense variant. On other transcripts: intron variant (135).
Genome position (GRCh38, 1-based): chr17:43,091,920, C>G on the plus strand (G>C on the coding strand, the complement: BRCA1 is on the minus strand). VCF-style: chr17-43091920-C-G. GRCh37 (hg19) VCF-style: chr17-41243937-C-G.
Other names: c.3398G>C, p.Arg1133Thr (NM_001407571.1, NM_001407853.1, NM_001407894.1 and 9 more transcripts); c.3611G>C, p.Arg1204Thr (NM_001407581.1, NM_001407582.1, NM_001407583.1 and 30 more transcripts); c.3608G>C, p.Arg1203Thr (NM_001407587.1, NM_001407590.1, NM_001407591.1 and 22 more transcripts); c.3602G>C, p.Arg1201Thr (NM_001407646.1, NM_001407647.1); c.3488G>C, p.Arg1163Thr (NM_001407648.1, NM_001407664.1, NM_001407665.1 and 19 more transcripts); c.3485G>C, p.Arg1162Thr (NM_001407649.1, NM_001407670.1, NM_001407671.1 and 11 more transcripts); c.3533G>C, p.Arg1178Thr (NM_001407653.1, NM_001407654.1, NM_001407655.1 and 4 more transcripts); c.3530G>C, p.Arg1177Thr (NM_001407659.1, NM_001407660.1, NM_001407661.1 and 1 more transcripts); and 41 more; short protein forms R1204T, R1157T, R1077T, R1116T, R1133T, R1136T, R1137T, R1201T.
Identifiers: ClinVar variation 485393 (VCV000485393.22), dbSNP rs1456509049, ClinGen allele CA10594746.
Genomic context (GRCh38, chr17:43,091,920, plus strand): 5'-GGAAGCTCTTCATCCTCACTAGATAAGTTCTCTTCTGAGGACTCTAATTTCTTGGCCCCT[C>G]TTCGGTAACCCTGAGCCAAATGTGTATGGGTGAAAGGGCTAGGACTCCTGCTAAGCTCTC-3'
Protein context (NP_009225.1, residues 1194-1214): THTHLAQGYR[Arg1204Thr]GAKKLESSEE

ClinVar aggregate classification (germline): Conflicting classifications of pathogenicity. Review status: criteria provided, conflicting classifications (1 of 4 stars). 4 submissions from 4 submitters: Uncertain significance (3); Likely benign (1). Last evaluated 2025-02-26.

Conditions:
Hereditary cancer-predisposing syndrome. Also called: Neoplastic Syndromes, Hereditary; Tumor predisposition; Hereditary Cancer Syndrome; Hereditary neoplastic syndrome. Identifiers: Orphanet 140162, MedGen C0027672, MeSH D009386, MONDO:0015356.
Hereditary breast ovarian cancer syndrome. Also called: Hereditary breast and ovarian cancer syndrome; Hereditary breast and ovarian cancer; Hereditary breast and ovarian cancer syndrome (HBOC); Breast and ovarian cancer; Hereditary breast and/or ovarian cancer syndrome; BRCA1- and BRCA2-Associated Hereditary Breast and Ovarian Cancer. Identifiers: Orphanet 145, MedGen C0677776, MeSH D061325, MONDO:0003582. Disease mechanism: loss of function.

Allele frequency attached by ClinVar (database versions not stated): gnomAD exomes below 0.00001.
gnomAD v4.1: 1 of 1,614,162 alleles (0.000062%); highest among the groups gnomAD compares: South Asian, 0.0011%; no homozygotes.

Submissions (4):

Ambry Genetics
Classification: Uncertain significance for Hereditary cancer-predisposing syndrome. Last evaluated: 2025-02-26. Review status: criteria provided, single submitter. Criteria: Ambry Variant Classification Scheme 2023. Collection method: clinical testing. Allele origin: germline.
Comment: The p.R1204T variant (also known as c.3611G>C), located in coding exon 9 of the BRCA1 gene, results from a G to C substitution at nucleotide position 3611. The arginine at codon 1204 is replaced by threonine, an amino acid with similar properties. This amino acid position is not well conserved in available vertebrate species. In addition, the in silico prediction for this alteration is inconclusive. Since supporting evidence is limited at this time, the clinical significance of this alteration remains unclear.

Labcorp Genetics (formerly Invitae), Labcorp
Classification: Uncertain significance for Hereditary breast ovarian cancer syndrome. Last evaluated: 2023-07-17. Review status: criteria provided, single submitter. Criteria: Invitae Variant Classification Sherloc (09022015). Collection method: clinical testing. Allele origin: germline.
Comment: In summary, the available evidence is currently insufficient to determine the role of this variant in disease. Therefore, it has been classified as a Variant of Uncertain Significance. Advanced modeling of protein sequence and biophysical properties (such as structural, functional, and spatial information, amino acid conservation, physicochemical variation, residue mobility, and thermodynamic stability) performed at Invitae indicates that this missense variant is not expected to disrupt BRCA1 protein function. ClinVar contains an entry for this variant (Variation ID: 485393). This variant has not been reported in the literature in individuals affected with BRCA1-related conditions. This variant is present in population databases (no rsID available, gnomAD 0.0009%). This sequence change replaces arginine, which is basic and polar, with threonine, which is neutral and polar, at codon 1204 of the BRCA1 protein (p.Arg1204Thr).

University of Washington Department of Laboratory Medicine, University of Washington
Classification: Likely benign for Hereditary cancer-predisposing syndrome. Last evaluated: 2023-03-23. Review status: criteria provided, single submitter. Criteria: Dines et al. (Genet Med. 2020). Collection method: curation. Allele origin: germline.
Comment: Missense variant in a coldspot region where missense variants are very unlikely to be pathogenic (PMID:31911673).

BRCA1 coldspot (exon 11 using historical exon numbering). Reclassification based on statistical prior probability

Color Diagnostics, LLC DBA Color Health
Classification: Uncertain significance for Hereditary cancer-predisposing syndrome. Last evaluated: 2019-10-09. Review status: criteria provided, single submitter. Criteria: ACMG Guidelines, 2015. Collection method: clinical testing. Allele origin: germline.
Comment: This missense variant replaces arginine with threonine at codon 1204 of the BRCA1 protein. Computational prediction suggests that this variant may not impact protein structure and function (internally defined REVEL score threshold <= 0.5, PMID: 27666373). Splice site prediction tools suggest that this variant may not impact RNA splicing. To our knowledge, functional studies have not been performed for this variant. This variant has not been reported in individuals affected with hereditary cancer in the literature. This variant has been identified in 1/251140 chromosomes in the general population by the Genome Aggregation Database (gnomAD). The available evidence is insufficient to determine the role of this variant in disease conclusively. Therefore, this variant is classified as a Variant of Uncertain Significance.